The following is an entry in ClinVar:

ClinVar aggregate classification (germline): Benign (1 of 4 stars; one submission).

Conditions:
Heterotaxy, visceral, 4, autosomal (HTX4). Identifiers: Orphanet 450, MedGen C3151057, MONDO:0013403, OMIM 613751.

Allele frequency attached by ClinVar (database versions not stated): gnomAD 0.00002 and 0.00011; TOPMed 0.00005; 1000 Genomes Project 30x 0.00125; 1000 Genomes Project 0.00160.
gnomAD v4.1: 16 of 152,354 alleles (0.011%); highest among the groups gnomAD compares: East Asian, 0.31%; no homozygotes.

Submission:

Illumina Laboratory Services, Illumina
Classification: Benign for Heterotaxy, visceral, 4, autosomal. Last evaluated: 2018-01-12. Review status: criteria provided, single submitter. Criteria: ICSL Variant Classification Criteria 13 December 2019. Collection method: clinical testing. Allele origin: germline.
Comment: This variant was observed in the ICSL laboratory as part of a predisposition screen in an ostensibly healthy population. It had not been previously curated by ICSL or reported in the Human Gene Mutation Database (HGMD: prior to June 1st, 2018), and was therefore a candidate for classification through an automated scoring system. Utilizing variant allele frequency, disease prevalence and penetrance estimates, and inheritance mode, an automated score was calculated to assess if this variant is too frequent to cause the disease. Based on the score and internal cut-off values, a variant classified as benign is not then subjected to further curation. The score for this variant resulted in a classification of benign for this disease.

NM_001106.4(ACVR2B):c.*3169T>A

Gene: ACVR2B (activin A receptor type 2B; plus strand). Cytogenetic location: 3p22.2.
Variant type: single nucleotide variant.
Coding change: c.*3169T>A on transcript NM_001106.4 (MANE Select); 3169 bases downstream of the stop codon, T replaced by A.
Molecular consequence: 3 prime UTR variant.
Genome position (GRCh38, 1-based): chr3:38,486,501, T>A. VCF-style: chr3-38486501-T-A. GRCh37 (hg19) VCF-style: chr3-38527992-T-A.
Identifiers: ClinVar variation 902071 (VCV000902071.4), dbSNP rs149804558, ClinGen allele CA72931584.